The following is an entry in ClinVar:

NM_030773.4(TUBB1):c.166G>A (p.Gly56Ser)

Gene: TUBB1 (tubulin beta 1 class VI; plus strand). Cytogenetic location: 20q13.32.
Variant type: single nucleotide variant.
Coding change: c.166G>A on transcript NM_030773.4 (MANE Select); coding-DNA position 166, G replaced by A.
Protein change: p.Gly56Ser; replaces glycine 56 with serine.
Molecular consequence: missense variant.
Genome position (GRCh38, 1-based): chr20:59,022,953, G>A. VCF-style: chr20-59022953-G-A. GRCh37 (hg19) VCF-style: chr20-57598008-G-A.
Other names: short protein forms G56S.
Identifiers: ClinVar variation 1976682 (VCV001976682.5), dbSNP rs780891137, ClinGen allele CA9928385.

ClinVar aggregate classification (germline): Uncertain significance (1 of 4 stars; one submission).

Allele frequency attached by ClinVar (database versions not stated): gnomAD exomes 0.00001; ExAC 0.00002; gnomAD 0.00002.
gnomAD v4.1: 10 of 1,613,278 alleles (0.00062%); highest among the groups gnomAD compares: African/African-American, 0.0053%; no homozygotes.

Submission:

Labcorp Genetics (formerly Invitae), Labcorp
Classification: Uncertain significance. Last evaluated: 2024-08-13. Review status: criteria provided, single submitter. Criteria: Invitae Variant Classification Sherloc (09022015). Collection method: clinical testing. Allele origin: germline.
Comment: This sequence change replaces glycine, which is neutral and non-polar, with serine, which is neutral and polar, at codon 56 of the TUBB1 protein (p.Gly56Ser). This variant also falls at the last nucleotide of exon 2, which is part of the consensus splice site for this exon. This variant is present in population databases (rs780891137, gnomAD 0.002%). This variant has not been reported in the literature in individuals affected with TUBB1-related conditions. ClinVar contains an entry for this variant (Variation ID: 1976682). An algorithm developed to predict the effect of missense changes on protein structure and function (PolyPhen-2) suggests that this variant is likely to be tolerated. Variants that disrupt the consensus splice site are a relatively common cause of aberrant splicing (PMID: 17576681, 9536098). Algorithms developed to predict the effect of sequence changes on RNA splicing suggest that this variant may disrupt the consensus splice site. In summary, the available evidence is currently insufficient to determine the role of this variant in disease. Therefore, it has been classified as a Variant of Uncertain Significance.

Literature cited by the submitters: PubMed 17576681; PubMed 9536098.